The following is an entry in ClinVar:

NM_182641.4(BPTF):c.842C>T (p.Thr281Ile)

Gene: BPTF (bromodomain PHD finger transcription factor; plus strand). Cytogenetic location: 17q24.2.
Variant type: single nucleotide variant.
Coding change: c.842C>T on transcript NM_182641.4 (MANE Select); coding-DNA position 842, C replaced by T.
Protein change: p.Thr281Ile; replaces threonine 281 with isoleucine.
Molecular consequence: missense variant.
Genome position (GRCh38, 1-based): chr17:67,854,168, C>T. VCF-style: chr17-67854168-C-T. GRCh37 (hg19) VCF-style: chr17-65850284-C-T.
Other names: c.842C>T, p.Thr281Ile (NM_004459.7); short protein forms T281I.
Identifiers: ClinVar variation 2499205 (VCV002499205.1), dbSNP rs2510092938, ClinGen allele CA400720078.

ClinVar aggregate classification (germline): Uncertain significance (1 of 4 stars; one submission).

Allele frequency attached by ClinVar (database versions not stated): gnomAD exomes below 0.00001.
gnomAD v4.1: 1 of 1,614,226 alleles (0.000062%); highest among the groups gnomAD compares: Non-Finnish European, 0.000085%; no homozygotes.

Submission:

GeneDx
Classification: Uncertain significance. Last evaluated: 2022-10-13. Review status: criteria provided, single submitter. Criteria: GeneDx Variant Classification Process June 2021. Collection method: clinical testing. Allele origin: germline. Affected: yes.
Comment: Not observed at significant frequency in large population cohorts (gnomAD); In silico analysis supports that this missense variant has a deleterious effect on protein structure/function; Has not been previously published as pathogenic or benign to our knowledge